The following is an entry in ClinVar:

ClinVar aggregate classification (germline): Uncertain significance. Review status: criteria provided, multiple submitters, no conflicts (2 of 4 stars). 2 submissions from 2 submitters: Uncertain significance (2). Last evaluated 2025-11-25.

Conditions:
Polyglucosan body myopathy type 1 (PGBM1). Also called: POLYGLUCOSAN BODY MYOPATHY WITHOUT IMMUNODEFICIENCY; Polyglucosan body myopathy 1 with or without immunodeficiency. Identifiers: Orphanet 329173, Orphanet 397937, MedGen C4014605, MONDO:0014389, OMIM 615895.
Inborn genetic diseases. Identifiers: MedGen C0950123, MeSH D030342.

Allele frequency attached by ClinVar (database versions not stated): gnomAD exomes below 0.00001.
gnomAD v4.1: 2 of 1,613,630 alleles (0.00012%); highest among the groups gnomAD compares: Non-Finnish European, 0.00017%; no homozygotes.

Submissions (2):

Ambry Genetics
Classification: Uncertain significance for Inborn genetic diseases. Last evaluated: 2025-11-25. Review status: criteria provided, single submitter. Criteria: Ambry Variant Classification Scheme 2023. Collection method: clinical testing. Allele origin: germline.

Labcorp Genetics (formerly Invitae), Labcorp
Classification: Uncertain significance for Polyglucosan body myopathy type 1. Last evaluated: 2021-02-02. Review status: criteria provided, single submitter. Criteria: Invitae Variant Classification Sherloc (09022015). Collection method: clinical testing. Allele origin: germline.
Comment: This variant is not present in population databases (ExAC no frequency). In summary, the available evidence is currently insufficient to determine the role of this variant in disease. Therefore, it has been classified as a Variant of Uncertain Significance. Algorithms developed to predict the effect of missense changes on protein structure and function do not agree on the potential impact of this missense change (SIFT: "Deleterious"; PolyPhen-2: "Benign"; Align-GVGD: "C0"). This variant has not been reported in the literature in individuals with RBCK1-related disease. This sequence change replaces glutamic acid with valine at codon 62 of the RBCK1 protein (p.Glu62Val). The glutamic acid residue is highly conserved and there is a moderate physicochemical difference between glutamic acid and valine.

NM_031229.4(RBCK1):c.185A>T (p.Glu62Val)

Gene: RBCK1 (RANBP2-type and C3HC4-type zinc finger containing 1; plus strand). Cytogenetic location: 20p13.
Variant type: single nucleotide variant.
Coding change: c.185A>T on transcript NM_031229.4 (MANE Select); coding-DNA position 185, A replaced by T.
Protein change: p.Glu62Val; replaces glutamic acid 62 with valine.
Molecular consequence: missense variant. On other transcripts: 5 prime UTR variant (2), non-coding transcript variant (1).
Genome position (GRCh38, 1-based): chr20:417,543, A>T. VCF-style: chr20-417543-A-T. GRCh37 (hg19) VCF-style: chr20-398187-A-T.
Other names: c.-165A>T (NM_001323956.2, NM_001323958.2); c.59A>T, p.Glu20Val (NM_006462.6); c.185A>T (NM_031229.2); short protein forms E62V, E20V.
Identifiers: ClinVar variation 570191 (VCV000570191.8), dbSNP rs1568554230, ClinGen allele CA407949831.